The following is an entry in ClinVar:

NM_000533.5(PLP1):c.584C>A (p.Ala195Asp)

Genes: PLP1 (proteolipid protein 1; plus strand), RAB9B (RAB9B, member RAS oncogene family; minus strand). Cytogenetic location: Xq22.2.
Variant type: single nucleotide variant.
Coding change: c.584C>A on transcript NM_000533.5 (MANE Select); coding-DNA position 584, C replaced by A.
Protein change: p.Ala195Asp; replaces alanine 195 with aspartic acid.
Molecular consequence: missense variant.
Genome position (GRCh38, 1-based): chrX:103,787,928, C>A. VCF-style: chrX-103787928-C-A. GRCh37 (hg19) VCF-style: chrX-103042857-C-A.
Other names: c.584C>A, p.Ala195Asp (NM_001128834.3); c.419C>A, p.Ala140Asp (NM_001305004.1); c.479C>A, p.Ala160Asp (NM_199478.3); short protein forms A140D, A160D, A195D.
Identifiers: ClinVar variation 3336793 (VCV003336793.2).

ClinVar aggregate classification (germline): Uncertain significance (1 of 4 stars; one submission).

Conditions:
Pelizaeus-Merzbacher disease. Also called: Pelizeaus-Merzbacher spectrum disorder; Sudanophilic leukodystrophy; Pelizaeus-Merzbacher spectrum disorder; Pelizaeus-Merzbacher Disease (PMD); LEUKODYSTROPHY, HYPOMYELINATING, 1. Identifiers: Orphanet 702, MedGen C0205711, MONDO:0010714, OMIM 312080, HP:0003269.

Submission:

Center for Human Genetics and Genomic Medicine, Uniklinik Rwth Aachen
Classification: Uncertain significance for Pelizaeus-Merzbacher disease. Last evaluated: 2024-08-13. Review status: criteria provided, single submitter. Criteria: ACMG Guidelines, 2015. Collection method: clinical testing. Allele origin: germline. Inheritance: X-linked inheritance. Affected: yes. Observed: 1 hemizygote.
Comment: No further family members were availble for segregation analyses. The variant is not present in large population databases. We classified the variant as being of uncertain clinical significance.